The following is an entry in ClinVar:

NM_014363.6(SACS):c.12673_12677del (p.Tyr4225fs)

Gene: SACS (sacsin molecular chaperone; minus strand). Cytogenetic location: 13q12.12.
Variant type: Deletion.
Coding change: c.12673_12677del on transcript NM_014363.6 (MANE Select); coding-DNA positions 12673 to 12677, 5 bases deleted (TATCA; older notation c.12673_12677delTATCA).
Protein change: p.Tyr4225fs; shifts the reading frame from tyrosine 4225.
Molecular consequence: frameshift variant.
Genome position (GRCh38, 1-based): chr13:23,331,199-23,331,203, TGATA deleted on the plus strand (TATCA on the coding strand, the reverse complement: SACS is on the minus strand); deleting any 5 consecutive bases within chr13:23,331,199-23,331,204 gives the same sequence; the c. name uses the placement nearest the transcript's 3' end. VCF-style (leftmost placement, unchanged base first): chr13-23331198-CTGATA-C. GRCh37 (hg19) VCF-style: chr13-23905337-CTGATA-C.
Other names: c.12673_12677del (NM_014363.4); c.12673_12677delTATCA (NM_014363.4); c.12232_12236del, p.Tyr4078fs (NM_001278055.2); short protein forms Y4078fs, Y4225fs.
Identifiers: ClinVar variation 1805182 (VCV001805182.11), dbSNP rs775863207, ClinGen allele CA6910109.
Genomic context (GRCh38, chr13:23,331,198, plus strand): 5'-TGAAAACTTATACAGATCAAGAGAGCTAACTATTTTATATTCACTATAACCAATATCTAT[CTGATA>C]TATCTTTCCTAGAAAACTAGAATTGTCAGCATCTTCTCTTTCAACTTCTTGTACAATAAT-3'

ClinVar aggregate classification (germline): Pathogenic/Likely pathogenic. Review status: criteria provided, multiple submitters, no conflicts (2 of 4 stars). 5 submissions from 5 submitters: Pathogenic (4); Likely pathogenic (1). Last evaluated 2024-05-23.

Conditions:
Inborn genetic diseases. Identifiers: MedGen C0950123, MeSH D030342.
Spastic paraplegia. Identifiers: MedGen C0037772, HP:0001258.
Charlevoix-Saguenay spastic ataxia (SACS). Also called: SPASTIC ATAXIA 6, AUTOSOMAL RECESSIVE; AUTOSOMAL RECESSIVE SPASTIC ATAXIA OF CHARLEVOIX-SAGUENAY; Spastic ataxia of Charlevoix-Saguenay. Identifiers: Orphanet 98, MedGen C1849140, MONDO:0010041, OMIM 270550.

Submissions (5):

GeneDx
Classification: Likely pathogenic. Last evaluated: 2024-05-23. Review status: criteria provided, single submitter. Criteria: GeneDx Variant Classification Process June 2021. Collection method: clinical testing. Allele origin: germline. Affected: yes.
Comment: Frameshift variant predicted to result in abnormal protein length as the last 355 amino acids are replaced with 5 different amino acids; Not observed at significant frequency in large population cohorts (gnomAD); This variant is associated with the following publications: (PMID: 35578252, 33746006)

Natera, Inc.
Classification: Pathogenic for Charlevoix-Saguenay type spastic ataxia. Last evaluated: 2024-05-06. Review status: criteria provided, single submitter. Criteria: Natera Variant Classification Schema (03/2026). Collection method: clinical testing. Allele origin: germline.
Comment: The c.12673_12677delTATCA variant in SACS is a frameshift variant predicted to shift the reading frame beginning at codon 4225 and leads to a stop codon 6 codons downstream. This variant is expected to result in nonsense mediated decay, truncation, or a dysfunctional protein product. This variant is rare in the general population with a frequency below the threshold expected for the associated phenotype(s). This variant has been observed in one or more individuals affected with the associated recessive disease, as either homozygous or compound heterozygous with a second variant (PMID: 33746006, 35578252). Given the available evidence, this variant is classified as Pathogenic.

Labcorp Genetics (formerly Invitae), Labcorp
Classification: Pathogenic for Spastic paraplegia. Last evaluated: 2023-05-01. Review status: criteria provided, single submitter. Criteria: Invitae Variant Classification Sherloc (09022015). Collection method: clinical testing. Allele origin: germline.
Comment: This sequence change creates a premature translational stop signal (p.Tyr4225Aspfs*6) in the SACS gene. While this is not anticipated to result in nonsense mediated decay, it is expected to disrupt the last 355 amino acid(s) of the SACS protein. This variant is present in population databases (rs775863207, gnomAD 0.003%). This premature translational stop signal has been observed in individual(s) with clinical features of hereditary spastic paraplegia (PMID: 33746006). ClinVar contains an entry for this variant (Variation ID: 1805182). This variant disrupts a region of the SACS protein in which other variant(s) (p.Asn4549Asp) have been determined to be pathogenic (PMID: 15156359, 21507954). This suggests that this is a clinically significant region of the protein, and that variants that disrupt it are likely to be disease-causing. For these reasons, this variant has been classified as Pathogenic.

Ambry Genetics
Classification: Pathogenic for Inborn genetic diseases. Last evaluated: 2022-07-28. Review status: criteria provided, single submitter. Criteria: Ambry Variant Classification Scheme 2023. Collection method: clinical testing. Allele origin: germline.
Comment: The c.12673_12677delTATCA (p.Y4225Dfs*6) alteration, located in exon 10 (coding exon 9) of the SACS gene, consists of a deletion of 5 nucleotides from position 12673 to 12677, causing a translational frameshift with a predicted alternate stop codon after 6 amino acids. This alteration occurs at the 3' terminus of the SACS gene, is not expected to trigger nonsense-mediated mRNA decay, and only impacts the last 8% of the protein. However, premature stop codons are typically deleterious in nature and the impacted region is critical for protein function (Ambry internal data). Based on data from gnomAD, this allele has an overall frequency of <0.01% (2/250648) total alleles studied. The highest observed frequency was <0.01% (2/113238) of European (non-Finnish) alleles. This alteration has been detected in the homozygous state, and in conjunction with another disease-causing SACS alteration, in multiple unrelated individuals with spastic ataxia, Charlevoix-Saguenay type (Wang, 2021; Chen, 2022). Based on the available evidence, this alteration is classified as pathogenic.

Victorian Clinical Genetics Services, Murdoch Childrens Research Institute
Classification: Pathogenic for Charlevoix-Saguenay spastic ataxia. Last evaluated: 2022-02-02. Review status: criteria provided, single submitter. Criteria: ACMG Guidelines, 2015. Collection method: clinical testing. Allele origin: germline. Inheritance: Autosomal recessive inheritance.
Comment: Based on the classification scheme VCGS_Germline_v1.3.4, this variant is classified as Pathogenic. Following criteria are met: 0102 - Loss of function is a known mechanism of disease in this gene and is associated with autosomal recessive spastic ataxia of Charlevoix–Saguenay (ARSACS) (MIM#270550). (I) 0205 - Variant is predicted to result in a truncated protein (premature termination codon is NOT located at least 54 nucleotides upstream of the final exon-exon junction) with less than 1/3 of the protein sequence affected. (SP) 0253 - This variant is hemizygous. (I) 0106 - This gene is associated with autosomal recessive disease. (I) 0304 - Variant is present in gnomAD <0.01 for a recessive condition (v2: 2 heterozygotes, 0 homozygotes). (SP) 0701 - Other variants predicted to result in a truncated protein and located downstream, therefore comparable to the one identified in this case, have very strong previous evidence for pathogenicity (DECIPHER). (SP) 0803 - This variant has limited previous evidence of pathogenicity in an individual with ARSACS (PMID: 33746006). (SP) 1201 - Variant detected in trans with a second pathogenic heterozygous variant (approximately 1.4Mb deletion that encompasses the SACS gene) in a recessive disease (analysis by an external laboratory) . (I) Legend: (SP) - Supporting pathogenic, (I) - Information, (SB) - Supporting benign

Literature cited by the submitters: PubMed 33746006 (cited by 4 submitters); PubMed 35578252 (cited by Natera, Inc. and Ambry Genetics); PubMed 15156359 (cited by Labcorp Genetics (formerly Invitae), Labcorp); PubMed 21507954 (cited by Labcorp Genetics (formerly Invitae), Labcorp).